The following is an entry in ClinVar:

ClinVar aggregate classification (germline): Uncertain significance (1 of 4 stars; one submission).

Submission:

Labcorp Genetics (formerly Invitae), Labcorp
Classification: Uncertain significance. Last evaluated: 2022-06-19. Review status: criteria provided, single submitter. Criteria: Invitae Variant Classification Sherloc (09022015). Collection method: clinical testing. Allele origin: germline.
Comment: This sequence change replaces isoleucine, which is neutral and non-polar, with threonine, which is neutral and polar, at codon 109 of the MAK protein (p.Ile109Thr). This variant is not present in population databases (gnomAD no frequency). This variant has not been reported in the literature in individuals affected with MAK-related conditions. Advanced modeling of protein sequence and biophysical properties (such as structural, functional, and spatial information, amino acid conservation, physicochemical variation, residue mobility, and thermodynamic stability) performed at Invitae indicates that this missense variant is not expected to disrupt MAK protein function. In summary, the available evidence is currently insufficient to determine the role of this variant in disease. Therefore, it has been classified as a Variant of Uncertain Significance.

NM_001242957.3(MAK):c.326T>C (p.Ile109Thr)

Gene: MAK (male germ cell associated kinase; minus strand). Cytogenetic location: 6p24.2.
Variant type: single nucleotide variant.
Coding change: c.326T>C on transcript NM_001242957.3 (MANE Select); coding-DNA position 326, T replaced by C.
Protein change: p.Ile109Thr; replaces isoleucine 109 with threonine.
Molecular consequence: missense variant. On other transcripts: non-coding transcript variant (2).
Genome position (GRCh38, 1-based): chr6:10,813,676, A>G on the plus strand (T>C on the coding strand, the complement: MAK is on the minus strand). VCF-style: chr6-10813676-A-G. GRCh37 (hg19) VCF-style: chr6-10813909-A-G.
Other names: c.326T>C, p.Ile109Thr (NM_001242385.2, NM_005906.6); c.224T>C, p.Ile75Thr (NM_001377262.1); short protein forms I75T, I109T.
Identifiers: ClinVar variation 2007992 (VCV002007992.4), dbSNP rs2532550888, ClinGen allele CA362721113.